The following is an entry in ClinVar:

ClinVar aggregate classification (germline): Pathogenic (1 of 4 stars; one submission).

Conditions:
Ataxia-telangiectasia syndrome (AT). Also called: Ataxia-telangiectasia, complementation group D; Ataxia telangiectasia (A-T); Cerebello-oculocutaneous telangiectasia; Immunodeficiency with ataxia telangiectasia; ATAXIA-TELANGIECTASIA, COMPLEMENTATION GROUP A; ATAXIA-TELANGIECTASIA, FRESNO VARIANT. Identifiers: Orphanet 100, MedGen C0004135, MONDO:0008840, OMIM 208900.

Submission:

Labcorp Genetics (formerly Invitae), Labcorp
Classification: Pathogenic for Ataxia-telangiectasia syndrome. Last evaluated: 2023-08-30. Review status: criteria provided, single submitter. Criteria: Invitae Variant Classification Sherloc (09022015). Collection method: clinical testing. Allele origin: germline.
Comment: For these reasons, this variant has been classified as Pathogenic. This variant has not been reported in the literature in individuals affected with ATM-related conditions. This variant is a gross deletion of the genomic region encompassing exon(s) 2-15 of the ATM gene, which includes the initiator codon. This deletion extends beyond the assayed region for this gene and therefore may encompass additional genes. It is expected to result in an absent or disrupted protein product. Loss-of-function variants in ATM are known to be pathogenic (PMID: 23807571, 25614872).

Literature cited by the submitters: PubMed 23807571; PubMed 25614872.

NC_000011.9:g.(?_108098352)_(108128343_?)del

Gene: ATM (ATM serine/threonine kinase; plus strand). Cytogenetic location: 11q22.3.
Variant type: Deletion.
Identifiers: ClinVar variation 1397169 (VCV001397169.5).